The following is an entry in ClinVar:

ClinVar aggregate classification (germline): Uncertain significance (1 of 4 stars; one submission).

Conditions:
Inborn genetic diseases. Identifiers: MedGen C0950123, MeSH D030342.

gnomAD v4.1: 2 of 1,612,902 alleles (0.00012%); highest among the groups gnomAD compares: Non-Finnish European, 0.00017%; no homozygotes.

Submission:

Ambry Genetics
Classification: Uncertain significance for Inborn genetic diseases. Last evaluated: 2024-05-24. Review status: criteria provided, single submitter. Criteria: Ambry Variant Classification Scheme 2023. Collection method: clinical testing. Allele origin: germline.
Comment: The p.H668Y variant (also known as c.2002C>T), located in coding exon 17 of the LRRK2 gene, results from a C to T substitution at nucleotide position 2002. The histidine at codon 668 is replaced by tyrosine, an amino acid with similar properties. This amino acid position is conserved. In addition, this alteration is predicted to be tolerated by in silico analysis. Based on the available evidence, the clinical significance of this variant remains unclear.

NM_198578.4(LRRK2):c.2002C>T (p.His668Tyr)

Gene: LRRK2 (leucine rich repeat kinase 2; plus strand). Cytogenetic location: 12q12.
Variant type: single nucleotide variant.
Coding change: c.2002C>T on transcript NM_198578.4 (MANE Select); coding-DNA position 2002, C replaced by T.
Protein change: p.His668Tyr; replaces histidine 668 with tyrosine.
Molecular consequence: missense variant.
Genome position (GRCh38, 1-based): chr12:40,277,948, C>T. VCF-style: chr12-40277948-C-T. GRCh37 (hg19) VCF-style: chr12-40671750-C-T.
Other names: short protein forms H668Y.
Identifiers: ClinVar variation 3291909 (VCV003291909.1).